The following is an entry in ClinVar:

ClinVar aggregate classification (germline): Likely pathogenic. Review status: criteria provided, single submitter (1 of 4 stars). 2 submissions from 2 submitters: Likely pathogenic (1). 1 of the submissions does not count toward it. Last evaluated 2022-02-28.

Submissions (2):

GeneDx
Classification: Likely pathogenic. Last evaluated: 2022-02-28. Review status: criteria provided, single submitter. Criteria: GeneDx Variant Classification Process June 2021. Collection method: clinical testing. Allele origin: germline. Affected: yes.
Comment: Not observed at significant frequency in large population cohorts (gnomAD); In silico analysis supports that this missense variant has a deleterious effect on protein structure/function; This variant is associated with the following publications: (PMID: 28324312, 10946359)

GenMed Metabolism Lab
Classification: Pathogenic. Review status: no assertion criteria provided. Collection method: not provided. Allele origin: unknown. Not counted in ClinVar's aggregate classification.
Comment: p.Glu52Asp, Late
ClinVar note: Converted during submission from pathogenic to Pathogenic.

NM_000531.6(OTC):c.156A>T (p.Glu52Asp)

Gene: OTC (ornithine transcarbamylase; plus strand). Cytogenetic location: Xp11.4.
Variant type: single nucleotide variant.
Coding change: c.156A>T on transcript NM_000531.6 (MANE Select); coding-DNA position 156, A replaced by T.
Protein change: p.Glu52Asp; replaces glutamic acid 52 with aspartic acid.
Molecular consequence: missense variant.
Genome position (GRCh38, 1-based): chrX:38,367,369, A>T. VCF-style: chrX-38367369-A-T. GRCh37 (hg19) VCF-style: chrX-38226622-A-T.
Other names: short protein forms E52D.
Identifiers: ClinVar variation 97121 (VCV000097121.4), dbSNP rs72554318, ClinGen allele CA224480.